The following is an entry in ClinVar:

ClinVar aggregate classification (germline): Uncertain significance (1 of 4 stars; one submission).

Conditions:
Pulmonary fibrosis and/or bone marrow failure, Telomere-related, 1. Also called: PULMONARY FIBROSIS AND/OR BONE MARROW FAILURE SYNDROME, TELOMERE-RELATED, 1. Identifiers: Orphanet 88, MedGen C3553617, MONDO:0013878, OMIM 614742.

Submission:

Victorian Clinical Genetics Services, Murdoch Childrens Research Institute
Classification: Uncertain significance for Pulmonary fibrosis and/or bone marrow failure, Telomere-related, 1. Last evaluated: 2025-07-22. Review status: criteria provided, single submitter. Criteria: ACMG Guidelines, 2015. Collection method: clinical testing. Allele origin: germline. Affected: yes.
Comment: This variant is classified as VUS-3B. Evidence in support of pathogenic classification: Variant is absent from gnomAD (v2, v3 and v4). Additional information: Variant is predicted to result in a missense amino acid change from Gly to Arg; This variant is heterozygous; This gene is associated with both recessive and dominant disease. No specific genotype-phenotype correlations have been established (PMID: 20301779); Previous evidence of pathogenicity for this variant is inconclusive. A different nucleotide change resulting in the same amino acid change has been classified as a VUS by a clinical laboratory in ClinVar; No published evidence of segregation with disease has been identified for this variant; No published functional evidence has been identified for this variant; No comparable missense variants have previous evidence for pathogenicity; Variant is located in the annotated telomerase essential N-terminal (TEN) domain (PMIDs: 33482595, 22547674, 25271372); Missense variant with inconclusive in silico prediction and low conservation; Loss of function is a known mechanism of disease in this gene and is associated with autosomal dominant dyskeratosis congenita 2 and autosomal recessive dyskeratosis congenita 4 (MIM#613989) and telomere-related pulmonary fibrosis and/or bone marrow failure 1 (MIM#614742); Variants in this gene are known to have variable expressivity. Phenotypic variability is well reported for dyskeratosis congenita (OMIM, PMID: 20301779); Inheritance information for this variant is not currently available in this individual.

Literature cited by the submitters: PubMed 20301779; PubMed 33482595; PubMed 25271372; PubMed 22547674.

NM_198253.3(TERT):c.397G>C (p.Gly133Arg)

Gene: TERT (telomerase reverse transcriptase; minus strand). Cytogenetic location: 5p15.33.
Variant type: single nucleotide variant.
Coding change: c.397G>C on transcript NM_198253.3 (MANE Select); coding-DNA position 397, G replaced by C.
Protein change: p.Gly133Arg; replaces glycine 133 with arginine.
Molecular consequence: missense variant. On other transcripts: non-coding transcript variant (2).
Genome position (GRCh38, 1-based): chr5:1,294,489, C>G on the plus strand (G>C on the coding strand, the complement: TERT is on the minus strand). VCF-style: chr5-1294489-C-G. GRCh37 (hg19) VCF-style: chr5-1294604-C-G.
Other names: c.397G>C, p.Gly133Arg (NM_001193376.3); short protein forms G133R.
Identifiers: ClinVar variation 4531967 (VCV004531967.1).